The following is an entry in ClinVar:

ClinVar aggregate classification (germline): Benign (0 of 4 stars; one submission).

Conditions:
DCHS2-related disorder. Also called: DCHS2-related condition.

Allele frequency attached by ClinVar (database versions not stated): 1000 Genomes Project 30x 0.01843; 1000 Genomes Project 0.01957; TOPMed 0.03684; gnomAD 0.03777; ExAC 0.03821; ESP Exome Variant Server 0.04682; gnomAD exomes 0.05194.
gnomAD v4.1: 81,261 of 1,614,082 alleles (5%); highest among the groups gnomAD compares: Non-Finnish European, 6%; 2,328 homozygotes.

Submission:

PreventionGenetics, part of Exact Sciences
Classification: Benign for DCHS2-related condition. Last evaluated: 2019-05-09. Review status: no assertion criteria provided. Collection method: clinical testing. Allele origin: germline.
Comment: This variant is classified as benign based on ACMG/AMP sequence variant interpretation guidelines (Richards et al. 2015 PMID: 25741868, with internal and published modifications).

NM_001358235.2(DCHS2):c.5917A>C (p.Thr1973Pro)

Genes: DCHS2 (dachsous cadherin-related 2; minus strand), DCHS2-AS1 (DCHS2 antisense RNA 1; plus strand). Cytogenetic location: 4q31.3.
Variant type: single nucleotide variant.
Coding change: c.5917A>C on transcript NM_001358235.2 (MANE Select); coding-DNA position 5917, A replaced by C.
Protein change: p.Thr1973Pro; replaces threonine 1973 with proline.
Molecular consequence: missense variant.
Genome position (GRCh38, 1-based): chr4:154,298,397, T>G on the plus strand (A>C on the coding strand, the complement: DCHS2 is on the minus strand). VCF-style: chr4-154298397-T-G. GRCh37 (hg19) VCF-style: chr4-155219549-T-G.
Other names: short protein forms T1973P.
Identifiers: ClinVar variation 3055695 (VCV003055695.2), dbSNP rs74321456, ClinGen allele CA3112543.
Genomic context (GRCh38, chr4:154,298,397, plus strand): 5'-TGCTGGTTTTCAATGTGCCTGACATAGGATCAATGGTGAATGCACCAGAAGCCTCATCAG[T>G]CAGAAAATACTCAGTTTGCCCATTCAGGCCTTCATCCTTGTCCACAGCTGAAAGCACAAG-3'
Protein context (NP_001345164.1, residues 1963-1983): GLNGQTEYFL[Thr1973Pro]DEASGAFTID